The following is an entry in ClinVar:

NM_000268.4(NF2):c.1088T>C (p.Met363Thr)

Gene: NF2 (NF2, moesin-ezrin-radixin like (MERLIN) tumor suppressor; plus strand). Cytogenetic location: 22q12.2.
Variant type: single nucleotide variant.
Coding change: c.1088T>C on transcript NM_000268.4 (MANE Select); coding-DNA position 1088, T replaced by C.
Protein change: p.Met363Thr; replaces methionine 363 with threonine.
Molecular consequence: missense variant. On other transcripts: non-coding transcript variant (1), intron variant (1).
Genome position (GRCh38, 1-based): chr22:29,671,914, T>C. VCF-style: chr22-29671914-T-C. GRCh37 (hg19) VCF-style: chr22-30067903-T-C.
Other names: c.974T>C, p.Met325Thr (NM_001407053.1, NM_001407056.1); c.965T>C, p.Met322Thr (NM_001407054.1, NM_001407058.1, NM_181829.3); c.962T>C, p.Met321Thr (NM_001407055.1, NM_181828.3); c.953T>C, p.Met318Thr (NM_001407057.1, NM_001407059.1); c.1088T>C, p.Met363Thr (NM_001407060.1, NM_001407066.1, NM_016418.5 and 2 more transcripts); c.830T>C, p.Met277Thr (NM_001407062.1); c.839T>C, p.Met280Thr (NM_001407063.1, NM_001407064.1, NM_181830.3 and 1 more transcripts); c.554T>C, p.Met185Thr (NM_001407065.1); and 2 more; short protein forms M185T, M277T, M280T, M318T, M325T, M321T, M286T, M322T.
Identifiers: ClinVar variation 2042756 (VCV002042756.6), dbSNP rs2066804849, ClinGen allele CA411147079.
Genomic context (GRCh38, chr22:29,671,914, plus strand): 5'-AGCAGATGAGGGAGGAGGCTGAACGCACGAGGGATGAGTTGGAGAGGAGGCTGCTGCAGA[T>C]GAAAGAAGAAGCAACAATGGCCAACGAAGCACTGGTGATTTCTGAGGGGCTGGGGTTCCA-3'
Protein context (NP_000259.1, residues 353-373): RDELERRLLQ[Met363Thr]KEEATMANEA

ClinVar aggregate classification (germline): Uncertain significance. Review status: criteria provided, multiple submitters, no conflicts (2 of 4 stars). 3 submissions from 3 submitters: Uncertain significance (3). Last evaluated 2025-11-10.

Conditions:
Hereditary cancer-predisposing syndrome. Also called: Neoplastic Syndromes, Hereditary; Tumor predisposition; Hereditary Cancer Syndrome; Hereditary neoplastic syndrome. Identifiers: Orphanet 140162, MedGen C0027672, MeSH D009386, MONDO:0015356.
Neurofibromatosis, type 2 (SWNV). Also called: NF2-Related Schwannomatosis; BILATERAL ACOUSTIC NEUROFIBROMATOSIS; SCHWANNOMATOSIS, VESTIBULAR. Identifiers: Orphanet 637, MedGen C0027832, MONDO:0007039, OMIM 101000. Disease mechanism: loss of function.

gnomAD v4.1: 1 of 1,614,144 alleles (0.000062%); highest among the groups gnomAD compares: Non-Finnish European, 0.000085%; no homozygotes.

Submissions (3):

Labcorp Genetics (formerly Invitae), Labcorp
Classification: Uncertain significance for Neurofibromatosis, type 2. Last evaluated: 2025-11-10. Review status: criteria provided, single submitter. Criteria: Invitae Variant Classification Sherloc (09022015). Collection method: clinical testing. Allele origin: germline.
Comment: This sequence change replaces methionine, which is neutral and non-polar, with threonine, which is neutral and polar, at codon 363 of the NF2 protein (p.Met363Thr). This variant is not present in population databases (gnomAD no frequency). This variant has not been reported in the literature in individuals affected with NF2-related conditions. ClinVar contains an entry for this variant (Variation ID: 2042756). Invitae Evidence Modeling of protein sequence and biophysical properties (such as structural, functional, and spatial information, amino acid conservation, physicochemical variation, residue mobility, and thermodynamic stability) indicates that this missense variant is not expected to disrupt NF2 protein function with a negative predictive value of 80%. In summary, the available evidence is currently insufficient to determine the role of this variant in disease. Therefore, it has been classified as a Variant of Uncertain Significance.

Ambry Genetics
Classification: Uncertain significance for Hereditary cancer-predisposing syndrome. Last evaluated: 2024-09-02. Review status: criteria provided, single submitter. Criteria: Ambry Variant Classification Scheme 2023. Collection method: clinical testing. Allele origin: germline.
Comment: The p.M363T variant (also known as c.1088T>C), located in coding exon 11 of the NF2 gene, results from a T to C substitution at nucleotide position 1088. The methionine at codon 363 is replaced by threonine, an amino acid with similar properties. This amino acid position is conserved. In addition, the in silico prediction for this alteration is inconclusive. Based on the available evidence, the clinical significance of this variant remains unclear.

GeneDx
Classification: Uncertain significance. Last evaluated: 2024-03-08. Review status: criteria provided, single submitter. Criteria: GeneDx Variant Classification Process June 2021. Collection method: clinical testing. Allele origin: germline. Affected: yes.
Comment: Not observed at significant frequency in large population cohorts (gnomAD); In silico analysis supports that this missense variant has a deleterious effect on protein structure/function; Has not been previously published as pathogenic or benign to our knowledge; This variant is associated with the following publications: (PMID: 16324214, 17134719, 22482125)